The following is an entry in ClinVar:

ClinVar aggregate classification (germline): Uncertain significance. Review status: criteria provided, multiple submitters, no conflicts (2 of 4 stars). 2 submissions from 2 submitters: Uncertain significance (2). Last evaluated 2022-08-02.

Conditions:
Inborn genetic diseases. Identifiers: MedGen C0950123, MeSH D030342.
Multiple acyl-CoA dehydrogenase deficiency (MADD). Also called: Glutaric Acidemia type 2; Glutaric acidemia type II; GA 2; ETHYLMALONIC-ADIPICACIDURIA; GA II; Glutaric aciduria, type 2. Identifiers: Orphanet 26791, MedGen C0268596, MONDO:0009282, OMIM 231680.

Allele frequency attached by ClinVar (database versions not stated): ExAC 0.00001; gnomAD 0.00001; gnomAD exomes 0.00001; TOPMed 0.00002.

Submissions (2):

Labcorp Genetics (formerly Invitae), Labcorp
Classification: Uncertain significance for Multiple acyl-CoA dehydrogenase deficiency. Last evaluated: 2022-08-02. Review status: criteria provided, single submitter. Criteria: Invitae Variant Classification Sherloc (09022015). Collection method: clinical testing. Allele origin: germline.
Comment: This sequence change replaces arginine, which is basic and polar, with glutamine, which is neutral and polar, at codon 85 of the ETFB protein (p.Arg85Gln). This variant is present in population databases (rs747881617, gnomAD 0.002%). This variant has not been reported in the literature in individuals affected with ETFB-related conditions. Algorithms developed to predict the effect of missense changes on protein structure and function are either unavailable or do not agree on the potential impact of this missense change (SIFT: "Tolerated"; PolyPhen-2: "Probably Damaging"; Align-GVGD: "Class C0"). In summary, the available evidence is currently insufficient to determine the role of this variant in disease. Therefore, it has been classified as a Variant of Uncertain Significance.

Ambry Genetics
Classification: Uncertain significance for Inborn genetic diseases. Last evaluated: 2021-01-05. Review status: criteria provided, single submitter. Criteria: Ambry Variant Classification Scheme 2023. Collection method: clinical testing. Allele origin: germline.
Comment: The c.254G>A (p.R85Q) alteration is located in exon 3 (coding exon 3) of the ETFB gene. This alteration results from a G to A substitution at nucleotide position 254, causing the arginine (R) at amino acid position 85 to be replaced by a glutamine (Q). The p.R85Q alteration is predicted to be deleterious by in silico analysis. Based on insufficient or conflicting evidence, the clinical significance of this alteration remains unclear.

NM_001985.3(ETFB):c.254G>A (p.Arg85Gln)

Gene: ETFB (electron transfer flavoprotein subunit beta; minus strand). Cytogenetic location: 19q13.41.
Variant type: single nucleotide variant.
Coding change: c.254G>A on transcript NM_001985.3 (MANE Select); coding-DNA position 254, G replaced by A.
Protein change: p.Arg85Gln; replaces arginine 85 with glutamine.
Molecular consequence: missense variant.
Genome position (GRCh38, 1-based): chr19:51,353,253, C>T on the plus strand (G>A on the coding strand, the complement: ETFB is on the minus strand). VCF-style: chr19-51353253-C-T. GRCh37 (hg19) VCF-style: chr19-51856507-C-T.
Other names: c.254G>A (NM_001985.2); c.527G>A, p.Arg176Gln (NM_001014763.1); short protein forms R85Q, R176Q.
Identifiers: ClinVar variation 2142861 (VCV002142861.2), dbSNP rs747881617, ClinGen allele CA9610810.